The following is an entry in ClinVar:

ClinVar aggregate classification (germline): Likely benign (0 of 4 stars; one submission).

Conditions:
GAS2L2-related disorder. Also called: GAS2L2-related condition.

Allele frequency attached by ClinVar (database versions not stated): gnomAD 0.00003; gnomAD exomes 0.00004; TOPMed 0.00005; ExAC 0.00017.
gnomAD v4.1: 56 of 1,613,920 alleles (0.0035%); highest among the groups gnomAD compares: East Asian, 0.12%; 1 homozygote.

Submission:

PreventionGenetics, part of Exact Sciences
Classification: Likely benign for GAS2L2-related condition. Last evaluated: 2022-03-15. Review status: no assertion criteria provided. Collection method: clinical testing. Allele origin: germline.
Comment: This variant is classified as likely benign based on ACMG/AMP sequence variant interpretation guidelines (Richards et al. 2015 PMID: 25741868, with internal and published modifications).

NM_139285.4(GAS2L2):c.962T>C (p.Val321Ala)

Gene: GAS2L2 (growth arrest specific 2 like 2; minus strand). Cytogenetic location: 17q12.
Variant type: single nucleotide variant.
Coding change: c.962T>C on transcript NM_139285.4 (MANE Select); coding-DNA position 962, T replaced by C.
Protein change: p.Val321Ala; replaces valine 321 with alanine.
Molecular consequence: missense variant.
Genome position (GRCh38, 1-based): chr17:35,747,139, A>G on the plus strand (T>C on the coding strand, the complement: GAS2L2 is on the minus strand). VCF-style: chr17-35747139-A-G. GRCh37 (hg19) VCF-style: chr17-34074158-A-G.
Other names: short protein forms V321A.
Identifiers: ClinVar variation 3031368 (VCV003031368.2), dbSNP rs782625238, ClinGen allele CA8506225.